The following is an entry in ClinVar:

NM_138477.4(CDAN1):c.1860+4C>T

Gene: CDAN1 (codanin 1; minus strand). Cytogenetic location: 15q15.2.
Variant type: single nucleotide variant.
Coding change: c.1860+4C>T on transcript NM_138477.4 (MANE Select); 4 bases into the intron after coding-DNA position 1860, C replaced by T.
Molecular consequence: intron variant.
Genome position (GRCh38, 1-based): chr15:42,731,207, G>A on the plus strand (C>T on the coding strand, the complement: CDAN1 is on the minus strand). VCF-style: chr15-42731207-G-A. GRCh37 (hg19) VCF-style: chr15-43023405-G-A.
Identifiers: ClinVar variation 3711371 (VCV003711371.3).
Genomic context (GRCh38, chr15:42,731,207, plus strand): 5'-TCTTGAACATACTCCCTTCCCTCCTGGGTCAGACCCCATTATTTCCCTTGTTCTGTTTTC[G>A]GACCTGCCAGTCTACGTCTGACTCCCCGTCTTCATCATTGGGCTCATGCTGGGGCAGGGC-3'

ClinVar aggregate classification (germline): Conflicting classifications of pathogenicity. Review status: criteria provided, conflicting classifications (1 of 4 stars). 2 submissions from 2 submitters: Uncertain significance (1); Likely benign (1). Last evaluated 2026-01-08.

gnomAD v4.1: 314 of 1,613,990 alleles (0.019%); highest among the groups gnomAD compares: South Asian, 0.041%; no homozygotes.

Submissions (2):

Labcorp Genetics (formerly Invitae), Labcorp
Classification: Uncertain significance. Last evaluated: 2026-01-08. Review status: criteria provided, single submitter. Criteria: Invitae Variant Classification Sherloc (09022015). Collection method: clinical testing. Allele origin: germline.
Comment: This sequence change falls in intron 12 of the CDAN1 gene. It does not directly change the encoded amino acid sequence of the CDAN1 protein. It affects a nucleotide within the consensus splice site. This variant is present in population databases (rs200858118, gnomAD 0.05%). This variant has not been reported in the literature in individuals affected with CDAN1-related conditions. ClinVar contains an entry for this variant (Variation ID: 3711371). Variants that disrupt the consensus splice site are a relatively common cause of aberrant splicing (PMID: 17576681, 9536098). Algorithms developed to predict the effect of sequence changes on RNA splicing suggest that this variant is not likely to affect RNA splicing. In summary, the available evidence is currently insufficient to determine the role of this variant in disease. Therefore, it has been classified as a Variant of Uncertain Significance.

Blueprint Genetics
Classification: Likely benign. Last evaluated: 2024-08-04. Review status: criteria provided, single submitter. Criteria: ACMG Guidelines, 2015. Collection method: clinical testing. Allele origin: germline.

Literature cited by the submitters: PubMed 17576681 (cited by Labcorp Genetics (formerly Invitae), Labcorp); PubMed 9536098 (cited by Labcorp Genetics (formerly Invitae), Labcorp).